The following is an entry in ClinVar:

ClinVar aggregate classification (germline): Uncertain significance (1 of 4 stars; one submission).

Conditions:
Hypertrophic cardiomyopathy. Also called: HYPERTROPHIC MYOCARDIOPATHY. Identifiers: Orphanet 217569, MedGen C0007194, MeSH D002312, MONDO:0005045, HP:0001639.

Submission:

Labcorp Genetics (formerly Invitae), Labcorp
Classification: Uncertain significance for Hypertrophic cardiomyopathy. Last evaluated: 2025-08-25. Review status: criteria provided, single submitter. Criteria: Invitae Variant Classification Sherloc (09022015). Collection method: clinical testing. Allele origin: germline.
Comment: This sequence change replaces arginine, which is basic and polar, with proline, which is neutral and non-polar, at codon 723 of the MYH7 protein (p.Arg723Pro). This variant is present in population databases (no rsID available, gnomAD 0.0009%). This variant has not been reported in the literature in individuals affected with MYH7-related conditions. Invitae Evidence Modeling of protein sequence and biophysical properties (such as structural, functional, and spatial information, amino acid conservation, physicochemical variation, residue mobility, and thermodynamic stability) indicates that this missense variant is expected to disrupt MYH7 protein function with a positive predictive value of 95%. This variant disrupts the p.Arg723 amino acid residue in MYH7. Other variant(s) that disrupt this residue have been determined to be pathogenic (PMID: 1430197, 9829907, 12117842, 16199542). This suggests that this residue is clinically significant, and that variants that disrupt this residue are likely to be disease-causing. In summary, the available evidence is currently insufficient to determine the role of this variant in disease. Therefore, it has been classified as a Variant of Uncertain Significance.

Literature cited by the submitters: PubMed 1430197; PubMed 9829907; PubMed 12117842; PubMed 16199542.

NM_000257.4(MYH7):c.2168G>C (p.Arg723Pro)

Gene: MYH7 (myosin heavy chain 7; minus strand). Cytogenetic location: 14q11.2.
Variant type: single nucleotide variant.
Coding change: c.2168G>C on transcript NM_000257.4 (MANE Select); coding-DNA position 2168, G replaced by C.
Protein change: p.Arg723Pro; replaces arginine 723 with proline.
Molecular consequence: missense variant.
Genome position (GRCh38, 1-based): chr14:23,425,813, C>G on the plus strand (G>C on the coding strand, the complement: MYH7 is on the minus strand). VCF-style: chr14-23425813-C-G. GRCh37 (hg19) VCF-style: chr14-23895022-C-G.
Other names: c.2168G>C, p.Arg723Pro (NM_001407004.1); short protein forms R723P.
Identifiers: ClinVar variation 4801944 (VCV004801944.1).